The following is an entry in ClinVar:

ClinVar aggregate classification (germline): Conflicting classifications of pathogenicity. Review status: criteria provided, conflicting classifications (1 of 4 stars). 3 submissions from 3 submitters: Uncertain significance (1); Likely benign (1). 1 of the submissions does not count toward it. Last evaluated 2025-09-12.

Conditions:
PLEC-related disorder. Also called: PLEC-related condition; PLEC-related disorders.
Epidermolysis bullosa simplex 5B, with muscular dystrophy (EBS5B). Also called: EPIDERMOLYSIS BULLOSA SIMPLEX AND LIMB-GIRDLE MUSCULAR DYSTROPHY; Epidermolysis bullosa simplex with muscular dystrophy. Identifiers: Orphanet 257, MedGen C2931072, MONDO:0009181, OMIM 226670.
Epidermolysis bullosa simplex with nail dystrophy (EBS5D). Identifiers: MedGen C4225309, MONDO:0014661, OMIM 616487.
Autosomal recessive limb-girdle muscular dystrophy type 2Q (LGMDR17). Also called: MUSCULAR DYSTROPHY, LIMB-GIRDLE, AUTOSOMAL RECESSIVE 17. Identifiers: Orphanet 254361, MedGen C3150989, MONDO:0013390, OMIM 613723.
Epidermolysis bullosa simplex 5C, with pyloric atresia (EBS5C). Also called: PLEC1-Related Epidermolysis Bullosa with Pyloric Atresia; PLEC-Related Epidermolysis Bullosa with Pyloric Atresia; Epidermolysis bullosa simplex with pyloric atresia. Identifiers: Orphanet 158684, MedGen C2677349, MONDO:0012807, OMIM 612138.
Epidermolysis bullosa simplex, Ogna type (EBS5A). Also called: Pidermolysis bullosa simplex 5A, Ogna type; EPIDERMOLYSIS BULLOSA SIMPLEX 5A, OGNA TYPE. Identifiers: Orphanet 79401, MedGen C0432317, MONDO:0007555, OMIM 131950.

Allele frequency attached by ClinVar (database versions not stated): TOPMed 0.00012; gnomAD 0.00014; ESP Exome Variant Server 0.00022; gnomAD exomes 0.00022 and 0.00031; ExAC 0.00025.
gnomAD v4.1: 455 of 1,552,632 alleles (0.029%); highest among the groups gnomAD compares: East Asian, 0.041%; 1 homozygote.

Submissions (3):

Labcorp Genetics (formerly Invitae), Labcorp
Classification: Likely benign for Autosomal recessive limb-girdle muscular dystrophy type 2Q; Epidermolysis bullosa simplex, Ogna type; Epidermolysis bullosa simplex with nail dystrophy; Epidermolysis bullosa simplex 5C, with pyloric atresia; Epidermolysis bullosa simplex 5B, with muscular dystrophy. Last evaluated: 2025-09-12. Review status: criteria provided, single submitter. Criteria: Invitae Variant Classification Sherloc (09022015). Collection method: clinical testing. Allele origin: germline.

Eurofins Ntd Llc (ga)
Classification: Uncertain significance. Last evaluated: 2018-02-06. Review status: criteria provided, single submitter. Criteria: EGL Classification Definitions 2015. Collection method: clinical testing. Allele origin: germline. Observed: 3 variant alleles, 3 heterozygotes.

PreventionGenetics, part of Exact Sciences
Classification: Likely benign for PLEC-related condition. Last evaluated: 2024-02-15. Review status: no assertion criteria provided. Collection method: clinical testing. Allele origin: germline. Not counted in ClinVar's aggregate classification.
Comment: This variant is classified as likely benign based on ACMG/AMP sequence variant interpretation guidelines (Richards et al. 2015 PMID: 25741868, with internal and published modifications).

NM_201384.3(PLEC):c.4587C>T (p.Arg1529=)

Gene: PLEC (plectin; minus strand). Cytogenetic location: 8q24.3.
Variant type: single nucleotide variant.
Coding change: c.4587C>T on transcript NM_201384.3 (MANE Select); coding-DNA position 4587, C replaced by T.
Protein change: p.Arg1529=; no amino-acid change (arginine 1529 retained).
Molecular consequence: synonymous variant.
Genome position (GRCh38, 1-based): chr8:143,925,342, G>A on the plus strand (C>T on the coding strand, the complement: PLEC is on the minus strand). VCF-style: chr8-143925342-G-A. GRCh37 (hg19) VCF-style: chr8-144999510-G-A.
Other names: c.4668C>T, p.Arg1556= (NM_000445.5); c.4545C>T, p.Arg1515= (NM_201378.4); c.4521C>T, p.Arg1507= (NM_201379.3); c.4998C>T, p.Arg1666= (NM_201380.4); c.4491C>T, p.Arg1497= (NM_201381.3); c.4587C>T, p.Arg1529= (NM_201382.4); c.4599C>T, p.Arg1533= (NM_201383.3).
Identifiers: ClinVar variation 281391 (VCV000281391.16), dbSNP rs369723574, ClinGen allele CA4926607.